The following is an entry in ClinVar:

NM_020821.3(VPS13C):c.11114A>G (p.Gln3705Arg)

Gene: VPS13C (vacuolar protein sorting 13 homolog C; minus strand). Cytogenetic location: 15q22.2.
Variant type: single nucleotide variant.
Coding change: c.11114A>G on transcript NM_020821.3 (MANE Select); coding-DNA position 11114, A replaced by G.
Protein change: p.Gln3705Arg; replaces glutamine 3705 with arginine.
Molecular consequence: missense variant.
Genome position (GRCh38, 1-based): chr15:61,854,917, T>C on the plus strand (A>G on the coding strand, the complement: VPS13C is on the minus strand). VCF-style: chr15-61854917-T-C. GRCh37 (hg19) VCF-style: chr15-62147116-T-C.
Other names: c.10985A>G, p.Gln3662Arg (NM_017684.5); short protein forms Q3662R, Q3705R.
Identifiers: ClinVar variation 2159055 (VCV002159055.1), dbSNP rs143440944, ClinGen allele CA7594096.
Genomic context (GRCh38, chr15:61,854,917, plus strand): 5'-TTTAAATTGTTTACCTCTGCTGTGGCGGTGTCCTTCAGGTAAACTTTTCGAACACAGCCT[T>C]GATTGGCACTGTCTTTTTTGTGGAACAGACCCTGTTCCTGTTTCAAAAGAAACAATGACA-3'
Protein context (NP_065872.1, residues 3695-3715): GLFHKKDSAN[Gln3705Arg]GCVRKVYLKD

ClinVar aggregate classification (germline): Uncertain significance (1 of 4 stars; one submission).

Allele frequency attached by ClinVar (database versions not stated): gnomAD exomes 0.00005; TOPMed 0.00006; ExAC 0.00008; gnomAD 0.00008; ESP Exome Variant Server 0.00015.
gnomAD v4.1: 94 of 1,613,502 alleles (0.0058%); highest among the groups gnomAD compares: Middle Eastern, 0.05%; no homozygotes.

Submission:

Labcorp Genetics (formerly Invitae), Labcorp
Classification: Uncertain significance. Last evaluated: 2022-05-09. Review status: criteria provided, single submitter. Criteria: Invitae Variant Classification Sherloc (09022015). Collection method: clinical testing. Allele origin: germline.
Comment: This sequence change replaces glutamine, which is neutral and polar, with arginine, which is basic and polar, at codon 3705 of the VPS13C protein (p.Gln3705Arg). This variant is present in population databases (rs143440944, gnomAD 0.02%). This variant has not been reported in the literature in individuals affected with VPS13C-related conditions. Algorithms developed to predict the effect of missense changes on protein structure and function (SIFT, PolyPhen-2, Align-GVGD) all suggest that this variant is likely to be tolerated. In summary, the available evidence is currently insufficient to determine the role of this variant in disease. Therefore, it has been classified as a Variant of Uncertain Significance.